The following is an entry in ClinVar:

NM_001080517.3(SETD5):c.3637G>A (p.Ala1213Thr)

Gene: SETD5 (SET domain containing 5; plus strand). Cytogenetic location: 3p25.3.
Variant type: single nucleotide variant.
Coding change: c.3637G>A on transcript NM_001080517.3 (MANE Select); coding-DNA position 3637, G replaced by A.
Protein change: p.Ala1213Thr; replaces alanine 1213 with threonine.
Molecular consequence: missense variant.
Genome position (GRCh38, 1-based): chr3:9,475,073, G>A. VCF-style: chr3-9475073-G-A. GRCh37 (hg19) VCF-style: chr3-9516757-G-A.
Other names: c.3343G>A, p.Ala1115Thr (NM_001292043.2, NM_001349451.2); short protein forms A1115T, A1213T.
Identifiers: ClinVar variation 3344977 (VCV003344977.1).

ClinVar aggregate classification (germline): Uncertain significance (0 of 4 stars; one submission).

Conditions:
SETD5-related disorder. Also called: SETD5-related disorders; SETD5-related condition.

Submission:

PreventionGenetics, part of Exact Sciences
Classification: Uncertain significance for SETD5-related condition. Last evaluated: 2024-06-20. Review status: no assertion criteria provided. Collection method: clinical testing. Allele origin: germline.
Comment: The SETD5 c.3637G>A variant is predicted to result in the amino acid substitution p.Ala1213Thr. To our knowledge, this variant has not been reported in the literature or in a large population database, indicating this variant is rare. At this time, the clinical significance of this variant is uncertain due to the absence of conclusive functional and genetic evidence.